The following is an entry in ClinVar:

NM_024596.5(MCPH1):c.115-101G>T

Gene: MCPH1 (microcephalin 1; plus strand). Cytogenetic location: 8p23.1.
Variant type: single nucleotide variant.
Coding change: c.115-101G>T on transcript NM_024596.5 (MANE Select); 101 bases into the intron before coding-DNA position 115, G replaced by T.
Molecular consequence: intron variant.
Genome position (GRCh38, 1-based): chr8:6,414,664, G>T. VCF-style: chr8-6414664-G-T. GRCh37 (hg19) VCF-style: chr8-6272185-G-T.
Other names: c.115-101G>T (NM_001322042.2, NM_001363980.2, NM_001363979.1 and 2 more transcripts); c.109-101G>T (NM_001322043.2); c.13-101G>T (NM_001322045.2).
Identifiers: ClinVar variation 670445 (VCV000670445.2), dbSNP rs2440437, ClinGen allele CA171364338.

ClinVar aggregate classification (germline): Benign. Review status: criteria provided, multiple submitters, no conflicts (2 of 4 stars). 2 submissions from 2 submitters: Benign (2). Last evaluated 2018-06-16.

Allele frequency attached by ClinVar (database versions not stated): 1000 Genomes Project 30x 0.96768; TOPMed 0.96883; gnomAD 0.96959 and 0.97180; 1000 Genomes Project 0.96985.
gnomAD v4.1: 1,315,931 of 1,323,616 alleles (99%); highest among the groups gnomAD compares: East Asian, 100%; 654,474 homozygotes.

Submissions (2):

GeneDx
Classification: Benign. Last evaluated: 2018-06-16. Review status: criteria provided, single submitter. Criteria: GeneDx Variant Classification (06012015). Collection method: clinical testing. Allele origin: germline. Affected: yes.
Comment: This variant is considered likely benign or benign based on one or more of the following criteria: it is a conservative change, it occurs at a poorly conserved position in the protein, it is predicted to be benign by multiple in silico algorithms, and/or has population frequency not consistent with disease.

Breakthrough Genomics
Classification: Benign. Review status: criteria provided, single submitter. Criteria: ACMG Guidelines, 2015. Collection method: not provided. Allele origin: germline. Inheritance: Autosomal recessive inheritance. Affected: yes.